The following is an entry in ClinVar:

NM_014415.4(ZBTB11):c.196C>T (p.Leu66=)

Genes: ZBTB11 (zinc finger and BTB domain containing 11; minus strand), ZBTB11-AS1 (ZBTB11 antisense RNA 1; plus strand). Cytogenetic location: 3q12.3.
Variant type: single nucleotide variant.
Coding change: c.196C>T on transcript NM_014415.4 (MANE Select); coding-DNA position 196, C replaced by T.
Protein change: p.Leu66=; no amino-acid change (leucine 66 retained).
Molecular consequence: synonymous variant. On other transcripts: non-coding transcript variant (1).
Genome position (GRCh38, 1-based): chr3:101,676,719, G>A on the plus strand (C>T on the coding strand, the complement: ZBTB11 is on the minus strand). VCF-style: chr3-101676719-G-A. GRCh37 (hg19) VCF-style: chr3-101395563-G-A.
Identifiers: ClinVar variation 4872630 (VCV004872630.2).

ClinVar aggregate classification (germline): Likely benign (1 of 4 stars; one submission).

gnomAD v4.1: 612 of 1,599,442 alleles (0.038%); highest among the groups gnomAD compares: African/African-American, 0.75%; 2 homozygotes.

Submission:

CeGaT Center for Human Genetics Tuebingen
Classification: Likely benign. Last evaluated: 2026-05-01. Review status: criteria provided, single submitter. Criteria: CeGaT Center For Human Genetics Tuebingen Variant Classification Criteria Version 2. Collection method: clinical testing. Allele origin: germline. Affected: yes. Observed: 1 variant allele.
Comment: ZBTB11: BP4, BP7